The following is an entry in ClinVar:

ClinVar aggregate classification (germline): Uncertain significance. Review status: criteria provided, multiple submitters, no conflicts (2 of 4 stars). 2 submissions from 2 submitters: Uncertain significance (2). Last evaluated 2026-01-08.

Conditions:
Inborn genetic diseases. Identifiers: MedGen C0950123, MeSH D030342.
Fibrous dysplasia of jaw (CRBM). Also called: Cherubism. Identifiers: Orphanet 184, MedGen C0008029, MONDO:0007315, OMIM 118400.

Allele frequency attached by ClinVar (database versions not stated): ExAC 0.00003; gnomAD 0.00005 and 0.00006; gnomAD exomes 0.00005 and 0.00011; TOPMed 0.00007; ESP Exome Variant Server 0.00008.
gnomAD v4.1: 172 of 1,613,736 alleles (0.011%); highest among the groups gnomAD compares: Non-Finnish European, 0.013%; no homozygotes.

Submissions (2):

Labcorp Genetics (formerly Invitae), Labcorp
Classification: Uncertain significance for Fibrous dysplasia of jaw. Last evaluated: 2026-01-08. Review status: criteria provided, single submitter. Criteria: Invitae Variant Classification Sherloc (09022015). Collection method: clinical testing. Allele origin: germline.
Comment: This sequence change replaces asparagine, which is neutral and polar, with serine, which is neutral and polar, at codon 171 of the SH3BP2 protein (p.Asn171Ser). This variant is present in population databases (rs143236581, gnomAD 0.009%). This variant has not been reported in the literature in individuals affected with SH3BP2-related conditions. ClinVar contains an entry for this variant (Variation ID: 664205). Invitae Evidence Modeling of protein sequence and biophysical properties (such as structural, functional, and spatial information, amino acid conservation, physicochemical variation, residue mobility, and thermodynamic stability) indicates that this missense variant is not expected to disrupt SH3BP2 protein function with a negative predictive value of 80%. In summary, the available evidence is currently insufficient to determine the role of this variant in disease. Therefore, it has been classified as a Variant of Uncertain Significance.

Ambry Genetics
Classification: Uncertain significance for Inborn genetic diseases. Last evaluated: 2025-12-03. Review status: criteria provided, single submitter. Criteria: Ambry Variant Classification Scheme 2023. Collection method: clinical testing. Allele origin: germline.

NM_001122681.2(SH3BP2):c.512A>G (p.Asn171Ser)

Gene: SH3BP2 (SH3 domain binding protein 2; plus strand). Cytogenetic location: 4p16.3.
Variant type: single nucleotide variant.
Coding change: c.512A>G on transcript NM_001122681.2 (MANE Select); coding-DNA position 512, A replaced by G.
Protein change: p.Asn171Ser; replaces asparagine 171 with serine.
Molecular consequence: missense variant.
Genome position (GRCh38, 1-based): chr4:2,827,313, A>G. VCF-style: chr4-2827313-A-G. GRCh37 (hg19) VCF-style: chr4-2829040-A-G.
Other names: c.596A>G, p.Asn199Ser (NM_001145855.2, LRG_1334t2); c.683A>G, p.Asn228Ser (NM_001145856.2); c.512A>G, p.Asn171Ser (NM_003023.4, LRG_1334t1); short protein forms N171S, N199S, N228S.
Identifiers: ClinVar variation 664205 (VCV000664205.11), dbSNP rs143236581, ClinGen allele CA2819197.
Genomic context (GRCh38, chr4:2,827,313, plus strand): 5'-GCTTCTACGGCGCAGTTGAGCGGCCTGTGGATATCAGCCTTTCCCCGTACCCCACGGACA[A>G]TGAAGGTGAGGTCTTTCTCCGCATCCACTGCCCGTTTGCCTCTCCCCACCTGGCCTCCTC-3'
Protein context (NP_001116153.1, residues 161-181): DISLSPYPTD[Asn171Ser]EDYEHDDEDD